The following is an entry in ClinVar:

ClinVar aggregate classification (germline): Uncertain significance. Review status: criteria provided, multiple submitters, no conflicts (2 of 4 stars). 3 submissions from 3 submitters: Uncertain significance (3). Last evaluated 2024-03-05.

Conditions:
Classic or attenuated familial adenomatous polyposis. Identifiers: MedGen CN372698, MONDO:0021057.
Hereditary cancer-predisposing syndrome. Also called: Neoplastic Syndromes, Hereditary; Tumor predisposition; Hereditary Cancer Syndrome; Hereditary neoplastic syndrome. Identifiers: Orphanet 140162, MedGen C0027672, MeSH D009386, MONDO:0015356.
Familial adenomatous polyposis 1 (FAP1). Also called: FAMILIAL ADENOMATOUS POLYPOSIS 1, ATTENUATED; POLYPOSIS, ADENOMATOUS INTESTINAL. Identifiers: MedGen C2713442, MONDO:0021056, OMIM 175100. Disease mechanism: loss of function.

Submissions (3):

All of Us Research Program, National Institutes of Health
Classification: Uncertain significance for Classic or attenuated familial adenomatous polyposis. Last evaluated: 2024-03-05. Review status: criteria provided, single submitter. Criteria: ACMG Guidelines, 2015. Collection method: clinical testing. Allele origin: germline. Inheritance: Autosomal dominant inheritance. Observed: 1 variant allele, 1 heterozygote.
Comment: This study involves interpretation of variants in research participants for the purpose of population health screening. Participant phenotype was not available at the time of variant classification. Additional details can be found in publication PMID: 35346344, PMCID: PMC8962531

Labcorp Genetics (formerly Invitae), Labcorp
Classification: Uncertain significance for Familial adenomatous polyposis 1. Last evaluated: 2023-11-28. Review status: criteria provided, single submitter. Criteria: Invitae Variant Classification Sherloc (09022015). Collection method: clinical testing. Allele origin: germline.
Comment: This sequence change replaces serine, which is neutral and polar, with phenylalanine, which is neutral and non-polar, at codon 2537 of the APC protein (p.Ser2537Phe). This variant is not present in population databases (gnomAD no frequency). This variant has not been reported in the literature in individuals affected with APC-related conditions. ClinVar contains an entry for this variant (Variation ID: 1759800). Advanced modeling of protein sequence and biophysical properties (such as structural, functional, and spatial information, amino acid conservation, physicochemical variation, residue mobility, and thermodynamic stability) performed at Invitae indicates that this missense variant is not expected to disrupt APC protein function with a negative predictive value of 95%. In summary, the available evidence is currently insufficient to determine the role of this variant in disease. Therefore, it has been classified as a Variant of Uncertain Significance.

Ambry Genetics
Classification: Uncertain significance for Hereditary cancer-predisposing syndrome. Last evaluated: 2020-04-28. Review status: criteria provided, single submitter. Criteria: Ambry Variant Classification Scheme 2023. Collection method: clinical testing. Allele origin: germline.
Comment: The p.S2537F variant (also known as c.7610C>T), located in coding exon 15 of the APC gene, results from a C to T substitution at nucleotide position 7610. The serine at codon 2537 is replaced by phenylalanine, an amino acid with highly dissimilar properties. This amino acid position is well conserved in available vertebrate species. In addition, in silico predictors for this gene do not accurately predict pathogenicity. Since supporting evidence is limited at this time, the clinical significance of this alteration remains unclear.

NM_000038.6(APC):c.7610C>T (p.Ser2537Phe)

Gene: APC (APC regulator of Wnt signaling pathway; plus strand). Cytogenetic location: 5q22.2.
Variant type: single nucleotide variant.
Coding change: c.7610C>T on transcript NM_000038.6 (MANE Select); coding-DNA position 7610, C replaced by T.
Protein change: p.Ser2537Phe; replaces serine 2537 with phenylalanine.
Molecular consequence: missense variant.
Genome position (GRCh38, 1-based): chr5:112,843,204, C>T. VCF-style: chr5-112843204-C-T. GRCh37 (hg19) VCF-style: chr5-112178901-C-T.
Other names: c.7610C>T, p.Ser2537Phe (NM_001127510.3, NM_001354895.2, NM_001407450.1); c.7556C>T, p.Ser2519Phe (NM_001127511.3); c.7664C>T, p.Ser2555Phe (NM_001354896.2, NM_001407447.1, NM_001407448.1 and 1 more transcripts); c.7640C>T, p.Ser2547Phe (NM_001354897.2); c.7535C>T, p.Ser2512Phe (NM_001354898.2); c.7526C>T, p.Ser2509Phe (NM_001354899.2); c.7487C>T, p.Ser2496Phe (NM_001354900.2); c.7433C>T, p.Ser2478Phe (NM_001354901.2, NM_001407453.1); and 11 more; short protein forms S2153F, S2254F, S2408F, S2411F, S2436F, S2478F, S2454F, S2509F.
Identifiers: ClinVar variation 1759800 (VCV001759800.8), dbSNP rs758106362, ClinGen allele CA16037865.